The following is an entry in ClinVar:

NM_022482.5(GZF1):c.1236C>A (p.Cys412Ter)

Gene: GZF1 (GDNF inducible zinc finger protein 1; plus strand). Cytogenetic location: 20p11.21.
Variant type: single nucleotide variant.
Coding change: c.1236C>A on transcript NM_022482.5 (MANE Select); coding-DNA position 1236, C replaced by A.
Protein change: p.Cys412Ter; replaces cysteine 412 with a stop codon.
Molecular consequence: nonsense.
Genome position (GRCh38, 1-based): chr20:23,365,619, C>A. VCF-style: chr20-23365619-C-A. GRCh37 (hg19) VCF-style: chr20-23346256-C-A.
Other names: c.1236C>A, p.Cys412Ter (NM_001317012.2, NM_001317019.1); short protein forms C412*.
Identifiers: ClinVar variation 2697389 (VCV002697389.3), dbSNP rs1359334884, ClinGen allele CA408411352.

ClinVar aggregate classification (germline): Pathogenic (1 of 4 stars; one submission).

Submission:

Labcorp Genetics (formerly Invitae), Labcorp
Classification: Pathogenic. Last evaluated: 2023-11-19. Review status: criteria provided, single submitter. Criteria: Invitae Variant Classification Sherloc (09022015). Collection method: clinical testing. Allele origin: germline.
Comment: This sequence change creates a premature translational stop signal (p.Cys412*) in the GZF1 gene. It is expected to result in an absent or disrupted protein product. Loss-of-function variants in GZF1 are known to be pathogenic (PMID: 28475863). This variant is not present in population databases (gnomAD no frequency). This variant has not been reported in the literature in individuals affected with GZF1-related conditions. For these reasons, this variant has been classified as Pathogenic.

Literature cited by the submitters: PubMed 28475863.